The following is an entry in ClinVar:

ClinVar aggregate classification (germline): Conflicting classifications of pathogenicity. Review status: criteria provided, conflicting classifications (1 of 4 stars). 4 submissions from 4 submitters: Uncertain significance (2); Benign (1); Likely benign (1). Last evaluated 2025-07-30.

Conditions:
Cardiomyopathy (CMYO). Also called: Cardiomyopathies. Identifiers: Orphanet 167848, MedGen C0878544, MONDO:0004994, HP:0001638. Inheritance: Various modes of inheritance.
Hypertrophic cardiomyopathy 1 (CMH1). Also called: MYH7-Related Familial Hypertrophic Cardiomyopathy; Familial hypertrophic cardiomyopathy 1. Identifiers: MedGen C3495498, MONDO:0008647, OMIM 192600.
Left ventricular noncompaction cardiomyopathy. Also called: left ventricular non-compaction cardiomyopathy. Identifiers: MedGen C4021133, HP:0011664.

Allele frequency attached by ClinVar (database versions not stated): ExAC 0.00004; gnomAD 0.00006 and 0.00007; TOPMed 0.00008; gnomAD exomes 0.00009; 1000 Genomes Project 30x 0.00031; 1000 Genomes Project 0.00040.
gnomAD v4.1: 48 of 1,606,554 alleles (0.003%); highest among the groups gnomAD compares: East Asian, 0.06%; no homozygotes.

Submissions (4):

Labcorp Genetics (formerly Invitae), Labcorp
Classification: Uncertain significance for Hypertrophic cardiomyopathy 1. Last evaluated: 2025-07-30. Review status: criteria provided, single submitter. Criteria: Invitae Variant Classification Sherloc (09022015). Collection method: clinical testing. Allele origin: germline.
Comment: This sequence change replaces glycine, which is neutral and non-polar, with valine, which is neutral and non-polar, at codon 142 of the MYLK2 protein (p.Gly142Val). This variant is present in population databases (rs56385445, gnomAD 0.1%), and has an allele count higher than expected for a pathogenic variant. This variant has not been reported in the literature in individuals affected with MYLK2-related conditions. ClinVar contains an entry for this variant (Variation ID: 650441). Invitae Evidence Modeling of protein sequence and biophysical properties (such as structural, functional, and spatial information, amino acid conservation, physicochemical variation, residue mobility, and thermodynamic stability) indicates that this missense variant is not expected to disrupt MYLK2 protein function with a negative predictive value of 80%. In summary, the available evidence is currently insufficient to determine the role of this variant in disease. Therefore, it has been classified as a Variant of Uncertain Significance.

Women's Health and Genetics/Laboratory Corporation of America, LabCorp
Classification: Likely benign. Last evaluated: 2023-12-03. Review status: criteria provided, single submitter. Criteria: LabCorp Variant Classification Summary - May 2015. Collection method: clinical testing. Allele origin: germline.

CHEO Genetics Diagnostic Laboratory, Children's Hospital of Eastern Ontario
Classification: Benign for Cardiomyopathy. Last evaluated: 2020-10-27. Review status: criteria provided, single submitter. Criteria: ACMG Guidelines, 2015. Collection method: clinical testing. Allele origin: germline.

Klaassen Lab, Charite University Medicine Berlin
Classification: Uncertain significance for Left ventricular noncompaction cardiomyopathy. Last evaluated: 2019-07-03. Review status: criteria provided, single submitter. Criteria: ACMG Guidelines, 2015. Collection method: research. Allele origin: germline. Affected: yes.

Literature cited by the submitters: PubMed 31333075 (cited by Klaassen Lab, Charite University Medicine Berlin); PubMed 31568572 (cited by Klaassen Lab, Charite University Medicine Berlin).

NM_033118.4(MYLK2):c.425G>T (p.Gly142Val)

Gene: MYLK2 (myosin light chain kinase 2; plus strand). Cytogenetic location: 20q11.21.
Variant type: single nucleotide variant.
Coding change: c.425G>T on transcript NM_033118.4 (MANE Select); coding-DNA position 425, G replaced by T.
Protein change: p.Gly142Val; replaces glycine 142 with valine.
Molecular consequence: missense variant.
Genome position (GRCh38, 1-based): chr20:31,820,498, G>T. VCF-style: chr20-31820498-G-T. GRCh37 (hg19) VCF-style: chr20-30408301-G-T.
Other names: short protein forms G142V.
Identifiers: ClinVar variation 650441 (VCV000650441.13), dbSNP rs56385445, ClinGen allele CA9802918.